The following is an entry in ClinVar:

NM_002890.3(RASA1):c.2690G>A (p.Ser897Asn)

Genes: CCNH (cyclin H; minus strand), RASA1 (RAS p21 protein activator 1; plus strand). Cytogenetic location: 5q14.3.
Variant type: single nucleotide variant.
Coding change: c.2690G>A on transcript NM_002890.3 (MANE Select); coding-DNA position 2690, G replaced by A.
Protein change: p.Ser897Asn; replaces serine 897 with asparagine.
Molecular consequence: missense variant. On other transcripts: intron variant (1).
Genome position (GRCh38, 1-based): chr5:87,380,595, G>A. VCF-style: chr5-87380595-G-A. GRCh37 (hg19) VCF-style: chr5-86676412-G-A.
Other names: c.2159G>A, p.Ser720Asn (NM_022650.3); c.933+14449C>T (NM_001364075.2); short protein forms S720N, S897N.
Identifiers: ClinVar variation 4529594 (VCV004529594.1).

ClinVar aggregate classification (germline): Uncertain significance (1 of 4 stars; one submission).

Submission:

GeneDx
Classification: Uncertain significance. Last evaluated: 2025-05-14. Review status: criteria provided, single submitter. Criteria: GeneDx Variant Classification Process June 2021. Collection method: clinical testing. Allele origin: germline. Affected: yes.
Comment: Not observed at significant frequency in large population cohorts (gnomAD); Alters the last nucleotide of the exon and is predicted to damage the splice donor site but the effect on protein function is unclear; Has not been previously published as pathogenic or benign to our knowledge